The following is an entry in ClinVar:

ClinVar aggregate classification (germline): Pathogenic. Review status: criteria provided, multiple submitters, no conflicts (2 of 4 stars). 2 submissions from 2 submitters: Pathogenic (2). Last evaluated 2023-01-31.

Conditions:
Warburg micro syndrome 1 (WARBM1). Identifiers: Orphanet 2510, MedGen C1838625, MONDO:0010822, OMIM 600118.
Martsolf syndrome 2. Identifiers: MedGen C5543626, MONDO:0030376, OMIM 619420.

Submissions (2):

Department of Pathology and Laboratory Medicine, Sinai Health System
Classification: Pathogenic for Warburg micro syndrome 1; Martsolf syndrome 2. Last evaluated: 2023-01-31. Review status: criteria provided, single submitter. Criteria: ACMG Guidelines, 2015. Collection method: research. Allele origin: germline.

GeneDx
Classification: Pathogenic. Last evaluated: 2022-01-20. Review status: criteria provided, single submitter. Criteria: GeneDx Variant Classification Process June 2021. Collection method: clinical testing. Allele origin: germline. Affected: yes.
Comment: Not observed at significant frequency in large population cohorts (gnomAD); Nonsense variant predicted to result in protein truncation or nonsense mediated decay in a gene for which loss-of-function is a known mechanism of disease; This variant is associated with the following publications: (PMID: 31980526, 29675078)

NM_012233.3(RAB3GAP1):c.519G>A (p.Trp173Ter)

Gene: RAB3GAP1 (RAB3 GTPase activating protein catalytic subunit 1; plus strand). Cytogenetic location: 2q21.3.
Variant type: single nucleotide variant.
Coding change: c.519G>A on transcript NM_012233.3 (MANE Select); coding-DNA position 519, G replaced by A.
Protein change: p.Trp173Ter; replaces tryptophan 173 with a stop codon.
Molecular consequence: nonsense.
Genome position (GRCh38, 1-based): chr2:135,115,252, G>A. VCF-style: chr2-135115252-G-A. GRCh37 (hg19) VCF-style: chr2-135872822-G-A.
Other names: c.519G>A, p.Trp173Ter (NM_001172435.2); short protein forms W173*.
Identifiers: ClinVar variation 1698016 (VCV001698016.3), dbSNP rs2104916488, ClinGen allele CA348567088.